The following is an entry in ClinVar:

NM_001347721.2(DYRK1A):c.1970C>T (p.Ser657Leu)

Gene: DYRK1A (dual specificity tyrosine phosphorylation regulated kinase 1A; plus strand). Cytogenetic location: 21q22.13.
Variant type: single nucleotide variant.
Coding change: c.1970C>T on transcript NM_001347721.2 (MANE Select); coding-DNA position 1970, C replaced by T.
Protein change: p.Ser657Leu; replaces serine 657 with leucine.
Molecular consequence: missense variant. On other transcripts: 3 prime UTR variant (2).
Genome position (GRCh38, 1-based): chr21:37,512,236, C>T. VCF-style: chr21-37512236-C-T. GRCh37 (hg19) VCF-style: chr21-38884539-C-T.
Other names: c.1970C>T, p.Ser657Leu (NM_001347722.2, NM_130436.2); c.1883C>T, p.Ser628Leu (NM_001347723.2); c.1997C>T, p.Ser666Leu (NM_001396.5); c.*373C>T (NM_101395.2); c.*282C>T (NM_130438.2); short protein forms S666L, S628L, S657L.
Identifiers: ClinVar variation 964304 (VCV000964304.11), dbSNP rs1555995028, ClinGen allele CA409940041.

ClinVar aggregate classification (germline): Uncertain significance. Review status: criteria provided, multiple submitters, no conflicts (2 of 4 stars). 2 submissions from 2 submitters: Uncertain significance (2). Last evaluated 2022-07-06.

Conditions:
DYRK1A-related intellectual disability syndrome (MRD7). Also called: Intellectual developmental disorder, autosomal dominant 7; DYRK1A Syndrome. Identifiers: Orphanet 464306, MedGen C5568143, MONDO:0013578, OMIM 614104.

Allele frequency attached by ClinVar (database versions not stated): gnomAD exomes below 0.00001; TOPMed below 0.00001.
gnomAD v4.1: 2 of 1,614,192 alleles (0.00012%); highest among the groups gnomAD compares: Non-Finnish European, 0.00017%; no homozygotes.

Submissions (2):

Blueprint Genetics
Classification: Uncertain significance. Last evaluated: 2022-07-06. Review status: criteria provided, single submitter. Criteria: ACMG Guidelines, 2015. Collection method: clinical testing. Allele origin: germline.

Labcorp Genetics (formerly Invitae), Labcorp
Classification: Uncertain significance for DYRK1A-related intellectual disability syndrome. Last evaluated: 2019-09-15. Review status: criteria provided, single submitter. Criteria: Invitae Variant Classification Sherloc (09022015). Collection method: clinical testing. Allele origin: germline.
Comment: This variant is not present in population databases (ExAC no frequency). This sequence change replaces serine with leucine at codon 666 of the DYRK1A protein (p.Ser666Leu). The serine residue is highly conserved and there is a large physicochemical difference between serine and leucine. In summary, the available evidence is currently insufficient to determine the role of this variant in disease. Therefore, it has been classified as a Variant of Uncertain Significance. Algorithms developed to predict the effect of missense changes on protein structure and function are either unavailable or do not agree on the potential impact of this missense change (SIFT: "Deleterious"; PolyPhen-2: "Benign"; Align-GVGD: "Class C0"). This variant has not been reported in the literature in individuals with DYRK1A-related conditions.